The following is an entry in ClinVar:

ClinVar aggregate classification (germline): Likely benign. Review status: criteria provided, multiple submitters, no conflicts (2 of 4 stars). 5 submissions from 5 submitters: Likely benign (5). Last evaluated 2025-12-15.

Conditions:
Cardiac arrhythmia. Also called: Cardiac rhythm disease; Arrhythmia. Identifiers: MedGen C0003811, MONDO:0007263, HP:0011675.
Long QT syndrome (LQTS). Identifiers: MedGen C0023976, MeSH D008133, MONDO:0002442. Disease mechanism: loss of function. Inheritance: Various modes of inheritance.
Cardiovascular phenotype. Identifiers: MedGen CN230736.

Allele frequency attached by ClinVar (database versions not stated): ExAC 0.00002; gnomAD 0.00003; gnomAD exomes 0.00003 and 0.00004; TOPMed 0.00003.
gnomAD v4.1: 49 of 1,613,204 alleles (0.003%); highest among the groups gnomAD compares: Non-Finnish European, 0.0039%; no homozygotes.

Submissions (5):

Labcorp Genetics (formerly Invitae), Labcorp
Classification: Likely benign for Long QT syndrome. Last evaluated: 2025-12-15. Review status: criteria provided, single submitter. Criteria: Invitae Variant Classification Sherloc (09022015). Collection method: clinical testing. Allele origin: germline.

Women's Health and Genetics/Laboratory Corporation of America, LabCorp
Classification: Likely benign. Last evaluated: 2025-12-09. Review status: criteria provided, single submitter. Criteria: LabCorp Variant Classification Summary - May 2015. Collection method: clinical testing. Allele origin: germline.
Comment: Variant summary: KCNH2 c.2595C>T (p.Thr865Thr) alters a conserved nucleotide located close to a canonical splice site and therefore could affect mRNA splicing, leading to a significantly altered protein sequence. Consensus agreement among computation tools predict no significant impact on normal splicing. However, these predictions have yet to be confirmed by functional studies. The variant allele was found at a frequency of 3.6e-05 in 250044 control chromosomes. The available data on variant occurrences in the general population are insufficient to allow any conclusion about variant significance. To our knowledge, no occurrence of c.2595C>T in individuals affected with KCNH2-related conditions and no experimental evidence demonstrating its impact on protein function have been reported. ClinVar contains an entry for this variant (Variation ID: 263736). Based on the evidence outlined above, the variant was classified as likely benign.

Ambry Genetics
Classification: Likely benign for Cardiovascular phenotype. Last evaluated: 2020-12-10. Review status: criteria provided, single submitter. Criteria: Ambry Variant Classification Scheme 2023. Collection method: clinical testing. Allele origin: germline.

Color Diagnostics, LLC DBA Color Health
Classification: Likely benign for Arrhythmia. Last evaluated: 2019-04-01. Review status: criteria provided, single submitter. Criteria: ACMG Guidelines, 2015. Collection method: clinical testing. Allele origin: germline.

GeneDx
Classification: Likely benign. Last evaluated: 2016-07-18. Review status: criteria provided, single submitter. Criteria: GeneDx Variant Classification (06012015). Collection method: clinical testing. Allele origin: germline. Affected: yes.
Comment: This variant is considered likely benign or benign based on one or more of the following criteria: it is a conservative change, it occurs at a poorly conserved position in the protein, it is predicted to be benign by multiple in silico algorithms, and/or has population frequency not consistent with disease.

NM_000238.4(KCNH2):c.2595C>T (p.Thr865=)

Gene: KCNH2 (potassium voltage-gated channel subfamily H member 2; minus strand). Cytogenetic location: 7q36.1.
Variant type: single nucleotide variant.
Coding change: c.2595C>T on transcript NM_000238.4 (MANE Select); coding-DNA position 2595, C replaced by T.
Protein change: p.Thr865=; no amino-acid change (threonine 865 retained).
Molecular consequence: synonymous variant.
Genome position (GRCh38, 1-based): chr7:150,948,541, G>A on the plus strand (C>T on the coding strand, the complement: KCNH2 is on the minus strand). VCF-style: chr7-150948541-G-A. GRCh37 (hg19) VCF-style: chr7-150645629-G-A.
Other names: c.1575C>T, p.Thr525= (NM_172057.3).
Identifiers: ClinVar variation 263736 (VCV000263736.21), dbSNP rs762327995, ClinGen allele CA033385.